The following is an entry in ClinVar:

NM_002616.3(PER1):c.3079G>A (p.Val1027Ile)

Gene: PER1 (period circadian regulator 1; minus strand). Cytogenetic location: 17p13.1.
Variant type: single nucleotide variant.
Coding change: c.3079G>A on transcript NM_002616.3 (MANE Select); coding-DNA position 3079, G replaced by A.
Protein change: p.Val1027Ile; replaces valine 1027 with isoleucine.
Molecular consequence: missense variant.
Genome position (GRCh38, 1-based): chr17:8,142,829, C>T on the plus strand (G>A on the coding strand, the complement: PER1 is on the minus strand). VCF-style: chr17-8142829-C-T. GRCh37 (hg19) VCF-style: chr17-8046147-C-T.
Other names: short protein forms V1027I.
Identifiers: ClinVar variation 718368 (VCV000718368.27), dbSNP rs12937495, ClinGen allele CA8369025.
Genomic context (GRCh38, chr17:8,142,829, plus strand): 5'-GCAGAAGTTCGAGCAGGTCACTGGAGCCGGAAAGTGCGTCCTGATTGGAGGACTCAGTGA[C>T]CTCCGCCTGGAGGAGGGGAGGGGGGCAAGGAGGGATGGAGGGGTCAGCACCTAGGCCTCC-3'
Protein context (NP_002607.2, residues 1017-1037): AAEPEARLAE[Val1027Ile]TESSNQDALS

ClinVar aggregate classification (germline): Benign/Likely benign. Review status: criteria provided, multiple submitters, no conflicts (2 of 4 stars). 2 submissions from 2 submitters: Benign (1); Likely benign (1). Last evaluated 2022-12-01.

Allele frequency attached by ClinVar (database versions not stated): 1000 Genomes Project 30x 0.00141; 1000 Genomes Project 0.00180; TOPMed 0.00207; ESP Exome Variant Server 0.00246; gnomAD 0.00456.

Submissions (2):

CeGaT Center for Human Genetics Tuebingen
Classification: Likely benign. Last evaluated: 2022-12-01. Review status: criteria provided, single submitter. Criteria: CeGaT Center For Human Genetics Tuebingen Variant Classification Criteria Version 2. Collection method: clinical testing. Allele origin: germline. Affected: yes. Observed: 2 variant alleles.
Comment: PER1: BP4, BS2

Labcorp Genetics (formerly Invitae), Labcorp
Classification: Benign. Last evaluated: 2018-05-29. Review status: criteria provided, single submitter. Criteria: Invitae Variant Classification Sherloc (09022015). Collection method: clinical testing. Allele origin: germline.